The following is an entry in ClinVar:

NM_007325.5(GRIA3):c.1608_1616del (p.Pro537_Lys539del)

Gene: GRIA3 (glutamate ionotropic receptor AMPA type subunit 3; plus strand). Cytogenetic location: Xq25.
Variant type: Deletion.
Coding change: c.1608_1616del on transcript NM_007325.5 (MANE Select); coding-DNA positions 1608 to 1616, 9 bases deleted (GCCTCAGAA; older notation c.1608_1616delGCCTCAGAA).
Protein change: p.Pro537_Lys539del.
Molecular consequence: inframe deletion.
Genome position (GRCh38, 1-based): chrX:123,417,509-123,417,517, GCCTCAGAA deleted; deleting any 9 consecutive bases within chrX:123,417,505-123,417,517 gives the same sequence; the c. name uses the placement nearest the transcript's 3' end. VCF-style (leftmost placement, unchanged base first): chrX-123417504-AAGAAGCCTC-A. GRCh37 (hg19) VCF-style: chrX-122551355-AAGAAGCCTC-A.
Other names: c.1608_1616delGCCTCAGAA (NM_000828.4); c.1608_1616del, p.Pro537_Lys539del (NM_000828.5).
Identifiers: ClinVar variation 503984 (VCV000503984.2), dbSNP rs1556317797, ClinGen allele CA658799860.
Genomic context (GRCh38, chrX:123,417,504, plus strand): 5'-CGTGAAGAAGTCATAGATTTTTCAAAGCCATTCATGAGCCTGGGCATCTCCATCATGATA[AAGAAGCCTC>A]AGAAATCAAAACCAGGCGTATTCTCATTTCTGGATCCCCTGGCTTATGAAATCTGGATGT-3'

ClinVar aggregate classification (germline): Likely pathogenic (1 of 4 stars; one submission).

Submission:

GeneDx
Classification: Likely pathogenic. Last evaluated: 2018-01-10. Review status: criteria provided, single submitter. Criteria: GeneDx Variant Classification (06012015). Collection method: clinical testing. Allele origin: germline. Affected: yes.
Comment: The c.1608_1616delGCCTCAGAA variant in the GRIA3 gene has not been reported previously as a pathogenic variant nor as a benign variant, to our knowledge. The c.1608_1616delGCCTCAGAA variant causes an in-frame deletion of Proline 537 through Lysine 539, denoted p.Pro537_Lys539del. The c.1608_1616delGCCTCAGAA variant is not observed in large population cohorts (Lek et al., 2016). In-silico analyses, including protein predictors and evolutionary conservation, support a deleterious effect. We interpret c.1608_1616delGCCTCAGAA as a likely pathogenic variant.